The following is an entry in ClinVar:

ClinVar aggregate classification (germline): Benign (3 of 4 stars; one submission).

Conditions:
Breast-ovarian cancer, familial, susceptibility to, 1 (BROVCA1). Also called: BRCA1 Hereditary Breast and Ovarian Cancer; OVARIAN CANCER, SUSCEPTIBILITY TO. Identifiers: Orphanet 145, MedGen C2676676, MONDO:0011450, OMIM 604370. Disease mechanism: loss of function.

Submission:

Evidence-based Network for the Interpretation of Germline Mutant Alleles (ENIGMA)
Classification: Benign for Breast-ovarian cancer, familial 1. Last evaluated: 2015-01-12. Review status: reviewed by expert panel. Criteria: ENIGMA BRCA1/2 Classification Criteria (2015). Collection method: curation. Allele origin: germline.
Comment: Class 1 not pathogenic based on frequency >1% in an outbred sampleset. Frequency 0.12 (European), derived from 1000 genomes (2012-04-30).

NM_007294.4(BRCA1):c.4675+693del

Gene: BRCA1 (BRCA1 DNA repair associated; minus strand). Cytogenetic location: 17q21.31.
Variant type: Deletion.
Coding change: c.4675+693del on transcript NM_007294.4 (MANE Select); 693 bases into the intron after coding-DNA position 4675, one base deleted (T; older notation c.4675+693delT).
Molecular consequence: intron variant.
Genome position (GRCh38, 1-based): chr17:43,073,638, A deleted on the plus strand (T on the coding strand, the reverse complement: BRCA1 is on the minus strand); the first of 8 consecutive A bases (chr17:43,073,638-43,073,645); deleting any one gives the same sequence. VCF-style (leftmost placement, unchanged base first): chr17-43073637-TA-T. GRCh37 (hg19) VCF-style: chr17-41225654-TA-T.
Other names: IVS 15+693del; c.1222+693del (NM_001408458.1, NM_001408461.1, NM_001408464.1 and 7 more transcripts); c.3784+693del (NM_001407967.1); c.4294+693del (NM_001407959.1); c.4408+693del (NM_001407931.1, NM_001407932.1, NM_001407928.1 and 4 more transcripts); c.4531+693del (NM_001407747.1, NM_001407745.1, NM_001407737.1 and 21 more transcripts); c.4291+693del (NM_001407962.1, NM_001407960.1); c.862+693del (NM_001408512.1); and 72 more.
Identifiers: ClinVar variation 209365 (VCV000209365.2), dbSNP rs5820482, ClinGen allele CA276337.
Genomic context (GRCh38, chr17:43,073,637, plus strand): 5'-CATTCATTAAAAGTGATTTTTAAGGCATAAAATATGTAGTCATTTATATTCATTAACTCA[TA>T]AAAAAAACTTGCTTTGGGATTTGACTCATTTTCTAATAAAGGACTGGCCTAAAACTTTAT-3'